The following is an entry in ClinVar:

NM_001365951.3(KIF1B):c.3607C>A (p.His1203Asn)

Gene: KIF1B (kinesin family member 1B; plus strand). Cytogenetic location: 1p36.22.
Variant type: single nucleotide variant.
Coding change: c.3607C>A on transcript NM_001365951.3 (MANE Select); coding-DNA position 3607, C replaced by A.
Protein change: p.His1203Asn; replaces histidine 1203 with asparagine.
Molecular consequence: missense variant.
Genome position (GRCh38, 1-based): chr1:10,342,143, C>A. VCF-style: chr1-10342143-C-A. GRCh37 (hg19) VCF-style: chr1-10402201-C-A.
Other names: c.3607C>A, p.His1203Asn (NM_001365952.1); c.3469C>A, p.His1157Asn (NM_015074.3); short protein forms H1203N, H1157N.
Identifiers: ClinVar variation 3007269 (VCV003007269.3), dbSNP rs2521752594, ClinGen allele CA338341900.

ClinVar aggregate classification (germline): Uncertain significance (1 of 4 stars; one submission).

Conditions:
Charcot-Marie-Tooth disease type 2. Also called: Charcot-Marie-Tooth type 2. Identifiers: Orphanet 64746, MedGen C0270914, MONDO:0018993.

Submission:

Labcorp Genetics (formerly Invitae), Labcorp
Classification: Uncertain significance for Charcot-Marie-Tooth disease type 2. Last evaluated: 2023-08-31. Review status: criteria provided, single submitter. Criteria: Invitae Variant Classification Sherloc (09022015). Collection method: clinical testing. Allele origin: germline.
Comment: This variant is not present in population databases (gnomAD no frequency). This variant has not been reported in the literature in individuals affected with KIF1B-related conditions. An algorithm developed to predict the effect of missense changes on protein structure and function (PolyPhen-2) suggests that this variant is likely to be disruptive. In summary, the available evidence is currently insufficient to determine the role of this variant in disease. Therefore, it has been classified as a Variant of Uncertain Significance. This sequence change replaces histidine, which is basic and polar, with asparagine, which is neutral and polar, at codon 1157 of the KIF1B protein (p.His1157Asn).